The following is an entry in ClinVar:

NM_001377458.1(CLCC1):c.827A>G (p.Asp276Gly)

Gene: CLCC1 (chloride channel CLIC like 1; minus strand). Cytogenetic location: 1p13.3.
Variant type: single nucleotide variant.
Coding change: c.827A>G on transcript NM_001377458.1 (MANE Select); coding-DNA position 827, A replaced by G.
Protein change: p.Asp276Gly; replaces aspartic acid 276 with glycine.
Molecular consequence: missense variant. On other transcripts: non-coding transcript variant (1), intron variant (1).
Genome position (GRCh38, 1-based): chr1:108,940,112, T>C on the plus strand (A>G on the coding strand, the complement: CLCC1 is on the minus strand). VCF-style: chr1-108940112-T-C. GRCh37 (hg19) VCF-style: chr1-109482734-T-C.
Other names: c.827A>G, p.Asp276Gly (NM_001048210.3, NM_001377459.1, NM_001377460.1 and 8 more transcripts); c.464A>G, p.Asp155Gly (NM_001278202.2); c.725A>G, p.Asp242Gly (NM_001377469.1); c.536A>G, p.Asp179Gly (NM_001377470.1); c.677A>G, p.Asp226Gly (NM_015127.5); c.340-330A>G (NM_001278203.1); short protein forms D155G, D179G, D242G, D276G, D226G.
Identifiers: ClinVar variation 2154804 (VCV002154804.1), dbSNP rs148458774, ClinGen allele CA28587370.

ClinVar aggregate classification (germline): Uncertain significance (1 of 4 stars; one submission).

Allele frequency attached by ClinVar (database versions not stated): gnomAD 0.00001; gnomAD exomes 0.00001; TOPMed 0.00001; ESP Exome Variant Server 0.00008.
gnomAD v4.1: 12 of 1,612,906 alleles (0.00074%); highest among the groups gnomAD compares: African/African-American, 0.0013%; no homozygotes.

Submission:

Labcorp Genetics (formerly Invitae), Labcorp
Classification: Uncertain significance. Last evaluated: 2022-08-31. Review status: criteria provided, single submitter. Criteria: Invitae Variant Classification Sherloc (09022015). Collection method: clinical testing. Allele origin: germline.
Comment: This sequence change replaces aspartic acid, which is acidic and polar, with glycine, which is neutral and non-polar, at codon 276 of the CLCC1 protein (p.Asp276Gly). This variant is present in population databases (rs148458774, gnomAD 0.004%). This variant has not been reported in the literature in individuals affected with CLCC1-related conditions. Algorithms developed to predict the effect of missense changes on protein structure and function are either unavailable or do not agree on the potential impact of this missense change (SIFT: "Deleterious"; PolyPhen-2: "Probably Damaging"; Align-GVGD: "Class C0"). Algorithms developed to predict the effect of sequence changes on RNA splicing suggest that this variant may create or strengthen a splice site. In summary, the available evidence is currently insufficient to determine the role of this variant in disease. Therefore, it has been classified as a Variant of Uncertain Significance.